The following is an entry in ClinVar:

ClinVar aggregate classification (germline): Uncertain significance (1 of 4 stars; one submission).

Conditions:
Fibrous dysplasia of jaw (CRBM). Also called: Cherubism. Identifiers: Orphanet 184, MedGen C0008029, MONDO:0007315, OMIM 118400.

Allele frequency attached by ClinVar (database versions not stated): ExAC 0.00001; gnomAD exomes 0.00001 and 0.00002; TOPMed 0.00001.
gnomAD v4.1: 9 of 1,600,330 alleles (0.00056%); highest among the groups gnomAD compares: East Asian, 0.02%; no homozygotes.

Submission:

Labcorp Genetics (formerly Invitae), Labcorp
Classification: Uncertain significance for Fibrous dysplasia of jaw. Last evaluated: 2023-02-16. Review status: criteria provided, single submitter. Criteria: Invitae Variant Classification Sherloc (09022015). Collection method: clinical testing. Allele origin: germline.
Comment: This sequence change replaces histidine, which is basic and polar, with tyrosine, which is neutral and polar, at codon 412 of the SH3BP2 protein (p.His412Tyr). This variant is present in population databases (rs764213233, gnomAD 0.02%). This variant has not been reported in the literature in individuals affected with SH3BP2-related conditions. ClinVar contains an entry for this variant (Variation ID: 947597). Advanced modeling of protein sequence and biophysical properties (such as structural, functional, and spatial information, amino acid conservation, physicochemical variation, residue mobility, and thermodynamic stability) performed at Invitae indicates that this missense variant is not expected to disrupt SH3BP2 protein function. In summary, the available evidence is currently insufficient to determine the role of this variant in disease. Therefore, it has been classified as a Variant of Uncertain Significance.

NM_001122681.2(SH3BP2):c.1234C>T (p.His412Tyr)

Gene: SH3BP2 (SH3 domain binding protein 2; plus strand). Cytogenetic location: 4p16.3.
Variant type: single nucleotide variant.
Coding change: c.1234C>T on transcript NM_001122681.2 (MANE Select); coding-DNA position 1234, C replaced by T.
Protein change: p.His412Tyr; replaces histidine 412 with tyrosine.
Molecular consequence: missense variant.
Genome position (GRCh38, 1-based): chr4:2,830,140, C>T. VCF-style: chr4-2830140-C-T. GRCh37 (hg19) VCF-style: chr4-2831867-C-T.
Other names: c.1318C>T, p.His440Tyr (NM_001145855.2); c.1405C>T, p.His469Tyr (NM_001145856.2); c.1234C>T, p.His412Tyr (NM_003023.4); short protein forms H412Y, H469Y, H440Y.
Identifiers: ClinVar variation 947597 (VCV000947597.9), dbSNP rs764213233, ClinGen allele CA2819425.
Genomic context (GRCh38, chr4:2,830,140, plus strand): 5'-GTGCCTGAGGCCATGGCGCGGCCCGCAGTCCTGCCCAGGCCAGAGAAGCCGCAGCTCCCG[C>T]ACCTCCAGTGAGTTTGTGTGGCGGCTGCAAGCCCTGCCTCCAGCTACAGGGACCCTGGCC-3'
Protein context (NP_001116153.1, residues 402-422): LPRPEKPQLP[His412Tyr]LQRSPPDGQS